The following is an entry in ClinVar:

ClinVar aggregate classification (germline): Likely benign. Review status: criteria provided, multiple submitters, no conflicts (2 of 4 stars). 4 submissions from 4 submitters: Likely benign (4). Last evaluated 2025-11-23.

Conditions:
Familial thoracic aortic aneurysm and aortic dissection (TAAD). Also called: Thoracic aortic aneurysms and dissections. Identifiers: Orphanet 91387, MedGen C4707243, MONDO:0019625.
Aneurysm-osteoarthritis syndrome. Also called: SMAD3-Related Loeys-Dietz Syndrome; ANEURYSMS-OSTEOARTHRITIS SYNDROME; LOEYS-DIETZ SYNDROME WITH OSTEOARTHRITIS; Loeys-Dietz syndrome, type 1C. Identifiers: Orphanet 284984, MedGen C3151087, MONDO:0013426, OMIM 613795.

Allele frequency attached by ClinVar (database versions not stated): TOPMed below 0.00001; gnomAD 0.00001; gnomAD exomes 0.00001.
gnomAD v4.1: 15 of 1,612,574 alleles (0.00093%); highest among the groups gnomAD compares: Non-Finnish European, 0.0011%; no homozygotes.

Submissions (4):

Labcorp Genetics (formerly Invitae), Labcorp
Classification: Likely benign for Familial thoracic aortic aneurysm and aortic dissection. Last evaluated: 2025-11-23. Review status: criteria provided, single submitter. Criteria: Invitae Variant Classification Sherloc (09022015). Collection method: clinical testing. Allele origin: germline.

All of Us Research Program, National Institutes of Health
Classification: Likely benign for Aneurysm-osteoarthritis syndrome. Last evaluated: 2023-05-08. Review status: criteria provided, single submitter. Criteria: ACMG Guidelines, 2015. Collection method: clinical testing. Allele origin: germline. Inheritance: Autosomal dominant inheritance. Observed: 1 variant allele, 1 heterozygote.
Comment: This study involves interpretation of variants in research participants for the purpose of population health screening. Participant phenotype was not available at the time of variant classification. Additional details can be found in publication PMID: 35346344, PMCID: PMC8962531

Color Diagnostics, LLC DBA Color Health
Classification: Likely benign for Familial thoracic aortic aneurysm and aortic dissection. Last evaluated: 2018-11-09. Review status: criteria provided, single submitter. Criteria: ACMG Guidelines, 2015. Collection method: clinical testing. Allele origin: germline.

Ambry Genetics
Classification: Likely benign for Familial thoracic aortic aneurysm and aortic dissection. Last evaluated: 2015-12-13. Review status: criteria provided, single submitter. Criteria: Ambry Variant Classification Scheme 2023. Collection method: clinical testing. Allele origin: germline.

NM_005902.4(SMAD3):c.48G>A (p.Leu16=)

Gene: SMAD3 (SMAD family member 3; plus strand). Cytogenetic location: 15q22.33.
Variant type: single nucleotide variant.
Coding change: c.48G>A on transcript NM_005902.4 (MANE Select); coding-DNA position 48, G replaced by A.
Protein change: p.Leu16=; no amino-acid change (leucine 16 retained).
Molecular consequence: synonymous variant.
Genome position (GRCh38, 1-based): chr15:67,066,202, G>A. VCF-style: chr15-67066202-G-A. GRCh37 (hg19) VCF-style: chr15-67358540-G-A.
Identifiers: ClinVar variation 264624 (VCV000264624.17), dbSNP rs886039210, ClinGen allele CA10587870.